The following is an entry in ClinVar:

ClinVar aggregate classification (germline): Likely benign (1 of 4 stars; one submission).

Allele frequency attached by ClinVar (database versions not stated): gnomAD exomes below 0.00001; ExAC 0.00002.
gnomAD v4.1: 2 of 1,614,168 alleles (0.00012%); highest among the groups gnomAD compares: Non-Finnish European, 0.00017%; no homozygotes.

Submission:

CeGaT Center for Human Genetics Tuebingen
Classification: Likely benign. Last evaluated: 2022-05-01. Review status: criteria provided, single submitter. Criteria: CeGaT Center For Human Genetics Tuebingen Variant Classification Criteria Version 2. Collection method: clinical testing. Allele origin: germline. Affected: yes. Observed: 1 variant allele.
Comment: GABRA5: BP4, BP7

NM_000810.4(GABRA5):c.369C>T (p.Leu123=)

Gene: GABRA5 (gamma-aminobutyric acid type A receptor subunit alpha5; plus strand). Cytogenetic location: 15q12.
Variant type: single nucleotide variant.
Coding change: c.369C>T on transcript NM_000810.4 (MANE Select); coding-DNA position 369, C replaced by T.
Protein change: p.Leu123=; no amino-acid change (leucine 123 retained).
Molecular consequence: synonymous variant.
Genome position (GRCh38, 1-based): chr15:26,883,429, C>T. VCF-style: chr15-26883429-C-T. GRCh37 (hg19) VCF-style: chr15-27128576-C-T.
Other names: c.369C>T, p.Leu123= (NM_001165037.2).
Identifiers: ClinVar variation 2645025 (VCV002645025.24), dbSNP rs779975888, ClinGen allele CA7437794.